The following is an entry in ClinVar:

ClinVar aggregate classification (germline): Benign/Likely benign. Review status: criteria provided, multiple submitters, no conflicts (2 of 4 stars). 11 submissions from 9 submitters: Benign (5); Likely benign (6). Last evaluated 2026-05-27.

Conditions:
Mastocytosis. Also called: Mast Cell Disease. Identifiers: Orphanet 98292, MedGen C0024899, MONDO:0007950, HP:0100495.
Hereditary cancer-predisposing syndrome. Also called: Tumor predisposition; Hereditary Cancer Syndrome; Neoplastic Syndromes, Hereditary; Hereditary neoplastic syndrome. Identifiers: Orphanet 140162, MedGen C0027672, MeSH D009386, MONDO:0015356.
Gastrointestinal stromal tumor. Also called: Gastrointestinal stromal tumor, somatic; Gastrointestinal stroma tumor. Identifiers: Orphanet 44890, MedGen C0238198, MeSH D046152, MONDO:0011719, OMIM 606764, HP:0100723.
Piebaldism. Also called: Piebald skin depigmentation. Identifiers: Orphanet 2884, MedGen C0080024, MONDO:0008244, OMIM 172800, HP:0007544.

Allele frequency attached by ClinVar (database versions not stated): 1000 Genomes Project 0.00160; gnomAD 0.00198 and 0.00218; ESP Exome Variant Server 0.00208; TOPMed 0.00225; 1000 Genomes Project 30x 0.00156.
gnomAD v4.1: 632 of 1,602,326 alleles (0.039%); highest among the groups gnomAD compares: African/African-American, 0.71%; no homozygotes.

Submissions (11):

Myriad Genetics, Inc.
Classification: Likely benign for Gastrointestinal stromal tumor. Last evaluated: 2026-05-27. Review status: criteria provided, single submitter. Criteria: Myriad Autosomal Dominant, Autosomal Recessive and X-Linked Classification Criteria (2023). Collection method: clinical testing. Allele origin: unknown.
Comment: This variant is considered likely benign. This variant has been observed at a population frequency that is significantly greater than expected given the associated disease prevalence and penetrance.

Labcorp Genetics (formerly Invitae), Labcorp
Classification: Benign for Gastrointestinal stromal tumor. Last evaluated: 2026-02-04. Review status: criteria provided, single submitter. Criteria: Invitae Variant Classification Sherloc (09022015). Collection method: clinical testing. Allele origin: germline.

CeGaT Center for Human Genetics Tuebingen
Classification: Likely benign. Last evaluated: 2025-07-01. Review status: criteria provided, single submitter. Criteria: CeGaT Center For Human Genetics Tuebingen Variant Classification Criteria Version 2. Collection method: clinical testing. Allele origin: germline. Affected: yes. Observed: 1 variant allele.
Comment: KIT: BP4, BS1

KCCC/NGS Laboratory, Kuwait Cancer Control Center
Classification: Benign for Gastrointestinal stromal tumor. Last evaluated: 2025-02-01. Review status: criteria provided, single submitter. Criteria: ACMG Guidelines, 2015. Collection method: clinical testing. Allele origin: germline. Affected: no.

Blueprint Genetics
Classification: Likely benign. Last evaluated: 2024-10-03. Review status: criteria provided, single submitter. Criteria: ACMG Guidelines, 2015. Collection method: clinical testing. Allele origin: germline.

GeneDx
Classification: Likely benign. Last evaluated: 2021-01-13. Review status: criteria provided, single submitter. Criteria: GeneDx Variant Classification Process June 2021. Collection method: clinical testing. Allele origin: germline. Affected: yes.
Comment: In silico analysis supports that this missense variant does not alter protein structure/function; Has not been previously published as pathogenic or benign to our knowledge

Sema4
Classification: Benign for Hereditary cancer-predisposing syndrome. Last evaluated: 2020-12-07. Review status: criteria provided, single submitter. Criteria: Sema4 Curation Guidelines. Collection method: curation. Allele origin: germline.

Ambry Genetics
Classification: Likely benign for Hereditary cancer-predisposing syndrome. Last evaluated: 2018-09-27. Review status: criteria provided, single submitter. Criteria: Ambry Variant Classification Scheme 2023. Collection method: clinical testing. Allele origin: germline.

Illumina Laboratory Services, Illumina
Classification: Benign for Cutaneous mastocytosis. Last evaluated: 2017-04-28. Review status: criteria provided, single submitter. Criteria: ICSL Variant Classification Criteria 13 December 2019. Collection method: clinical testing. Allele origin: germline.
Comment: This variant was observed as part of a predisposition screen in an ostensibly healthy population. A literature search was performed for the gene, cDNA change, and amino acid change (where applicable). No publications were found based on this search. Allele frequency data from public databases was too high to be consistent with this variant causing disease. Therefore, this variant is classified as benign.

Illumina Laboratory Services, Illumina
Classification: Benign for Gastrointestinal stromal tumor. Last evaluated: 2017-04-28. Review status: criteria provided, single submitter. Criteria: ICSL Variant Classification Criteria 13 December 2019. Collection method: clinical testing. Allele origin: germline.
Comment: the same text as in the submission from Illumina Laboratory Services, Illumina above.

Illumina Laboratory Services, Illumina
Classification: Likely benign for Piebaldism. Last evaluated: 2017-04-28. Review status: criteria provided, single submitter. Criteria: ICSL Variant Classification Criteria 13 December 2019. Collection method: clinical testing. Allele origin: germline.
Comment: This variant was observed as part of a predisposition screen in an ostensibly healthy population. A literature search was performed for the gene, cDNA change, and amino acid change (where applicable). No publications were found based on this search. Allele frequency data from public databases allowed determination this variant is unlikely to cause disease. Therefore, this variant is classified as likely benign.

NM_000222.3(KIT):c.1120G>A (p.Val374Ile)

Gene: KIT (KIT proto-oncogene, receptor tyrosine kinase; plus strand). Cytogenetic location: 4q12.
Variant type: single nucleotide variant.
Coding change: c.1120G>A on transcript NM_000222.3 (MANE Select); coding-DNA position 1120, G replaced by A.
Protein change: p.Val374Ile; replaces valine 374 with isoleucine.
Molecular consequence: missense variant.
Genome position (GRCh38, 1-based): chr4:54,709,428, G>A. VCF-style: chr4-54709428-G-A. GRCh37 (hg19) VCF-style: chr4-55575594-G-A.
Other names: c.1120G>A, p.Val374Ile (NM_001093772.2, NM_001385285.1, NM_001385286.1); c.1123G>A, p.Val375Ile (NM_001385284.1, NM_001385288.1, NM_001385290.1 and 1 more transcripts); short protein forms V374I, V375I.
Identifiers: ClinVar variation 237235 (VCV000237235.33), dbSNP rs73137716, ClinGen allele CA2923392.